The following is an entry in ClinVar:

ClinVar aggregate classification (germline): Pathogenic (1 of 4 stars; one submission).

Submission:

GeneDx
Classification: Pathogenic. Last evaluated: 2015-09-04. Review status: criteria provided, single submitter. Criteria: GeneDx Variant Classification (06012015). Collection method: clinical testing. Allele origin: germline. Affected: yes.
Comment: The c.662delC deletion in the IKBKG gene causes a frameshift starting with codon Serine 221, changes this amino acid to a Tryptophan residue and creates a premature Stop codon at position 60 of the new reading frame, denoted p.Ser221TrpfsX60. This variant is predicted to cause loss of normal protein function either through protein truncation or nonsense-mediated mRNA decay. Although this deletion has not been previously reported to our knowledge, we interpret it as a pathogenic variant.

NM_001099857.5(IKBKG):c.662del (p.Ser221fs)

Gene: IKBKG (inhibitor of nuclear factor kappa B kinase regulatory subunit gamma; plus strand). Cytogenetic location: Xq28.
Variant type: Deletion.
Coding change: c.662del on transcript NM_001099857.5 (MANE Select); coding-DNA position 662, one base deleted (C; older notation c.662delC).
Protein change: p.Ser221fs; shifts the reading frame from serine 221.
Molecular consequence: frameshift variant. On other transcripts: intron variant (3).
Genome position (GRCh38, 1-based): chrX:154,560,550, C deleted. VCF-style (leftmost placement, unchanged base first): chrX-154560549-TC-T. GRCh37 (hg19) VCF-style: chrX-153788764-TC-T.
Other names: c.866del, p.Ser289fs (NM_001099856.6); c.662del, p.Ser221fs (NM_001321396.3, NM_001377312.1, NM_003639.4); c.659del, p.Ser220fs (NM_001321397.3, NM_001377313.1); c.519-1138del (NM_001145255.4); c.516-1138del (NM_001377314.1); c.400-2260del (NM_001377315.1); short protein forms S220fs, S289fs, S221fs.
Identifiers: ClinVar variation 419829 (VCV000419829.2), dbSNP rs1064794135, ClinGen allele CA16621262.